The following is an entry in ClinVar:

NM_000548.5(TSC2):c.1660T>A (p.Ser554Thr)

Gene: TSC2 (TSC complex subunit 2; plus strand). Cytogenetic location: 16p13.3.
Variant type: single nucleotide variant.
Coding change: c.1660T>A on transcript NM_000548.5 (MANE Select); coding-DNA position 1660, T replaced by A.
Protein change: p.Ser554Thr; replaces serine 554 with threonine.
Molecular consequence: missense variant.
Genome position (GRCh38, 1-based): chr16:2,065,579, T>A. VCF-style: chr16-2065579-T-A. GRCh37 (hg19) VCF-style: chr16-2115580-T-A.
Other names: c.1513T>A, p.Ser505Thr (NM_001318829.2); c.1060T>A, p.Ser354Thr (NM_001318831.2); c.1693T>A, p.Ser565Thr (NM_001318832.2); c.1660T>A, p.Ser554Thr (NM_001363528.2, NM_001370404.1, NM_001077183.3 and 3 more transcripts); c.1549T>A, p.Ser517Thr (NM_001318827.2); short protein forms S505T, S565T, S517T, S354T, S554T.
Identifiers: ClinVar variation 665739 (VCV000665739.10), dbSNP rs1596317415, ClinGen allele CA394268059.
Genomic context (GRCh38, chr16:2,065,579, plus strand): 5'-GTGATGGCCCGCTCCCTCTCCCCACCCCCGGAGCTGGAAGAAAGGGATGTGGCCGCATAC[T>A]CGGCCTCCTTGGAGGATGTGAAGACAGCCGTCCTGGGGCTTCTGGTCATCCTTCAGGTGG-3'
Protein context (NP_000539.2, residues 544-564): ELEERDVAAY[Ser554Thr]ASLEDVKTAV

ClinVar aggregate classification (germline): Uncertain significance (1 of 4 stars; one submission).

Conditions:
Tuberous sclerosis 2 (TSC2). Identifiers: Orphanet 805, MedGen C1860707, MONDO:0013199, OMIM 613254.

gnomAD v4.1: 1 of 1,613,860 alleles (0.000062%); no homozygotes.

Submission:

Labcorp Genetics (formerly Invitae), Labcorp
Classification: Uncertain significance for Tuberous sclerosis 2. Last evaluated: 2023-07-31. Review status: criteria provided, single submitter. Criteria: Invitae Variant Classification Sherloc (09022015). Collection method: clinical testing. Allele origin: germline.
Comment: This sequence change replaces serine, which is neutral and polar, with threonine, which is neutral and polar, at codon 554 of the TSC2 protein (p.Ser554Thr). This variant is not present in population databases (gnomAD no frequency). This variant has not been reported in the literature in individuals affected with TSC2-related conditions. ClinVar contains an entry for this variant (Variation ID: 665739). Advanced modeling of protein sequence and biophysical properties (such as structural, functional, and spatial information, amino acid conservation, physicochemical variation, residue mobility, and thermodynamic stability) performed at Invitae indicates that this missense variant is not expected to disrupt TSC2 protein function. In summary, the available evidence is currently insufficient to determine the role of this variant in disease. Therefore, it has been classified as a Variant of Uncertain Significance.